The following is an entry in ClinVar:

ClinVar aggregate classification (germline): Pathogenic (1 of 4 stars; one submission).

Submission:

Labcorp Genetics (formerly Invitae), Labcorp
Classification: Pathogenic. Last evaluated: 2023-09-26. Review status: criteria provided, single submitter. Criteria: Invitae Variant Classification Sherloc (09022015). Collection method: clinical testing. Allele origin: germline.
Comment: For these reasons, this variant has been classified as Pathogenic. This variant has not been reported in the literature in individuals affected with VPS13A-related conditions. This variant is not present in population databases (gnomAD no frequency). This sequence change creates a premature translational stop signal (p.Met1485Ilefs*2) in the VPS13A gene. It is expected to result in an absent or disrupted protein product. Loss-of-function variants in VPS13A are known to be pathogenic (PMID: 12404112, 21598378).

Literature cited by the submitters: PubMed 12404112; PubMed 21598378.

NM_033305.3(VPS13A):c.4455_4458del (p.Met1485fs)

Gene: VPS13A (vacuolar protein sorting 13 homolog A; plus strand). Cytogenetic location: 9q21.2.
Variant type: Deletion.
Coding change: c.4455_4458del on transcript NM_033305.3 (MANE Select); coding-DNA positions 4455 to 4458, 4 bases deleted (GGAT; older notation c.4455_4458delGGAT).
Protein change: p.Met1485fs; shifts the reading frame from methionine 1485.
Molecular consequence: frameshift variant.
Genome position (GRCh38, 1-based): chr9:77,315,295-77,315,298, GGAT deleted; deleting any 4 consecutive bases within chr9:77,315,292-77,315,298 gives the same sequence; the c. name uses the placement nearest the transcript's 3' end. VCF-style (leftmost placement, unchanged base first): chr9-77315291-TGATG-T. GRCh37 (hg19) VCF-style: chr9-79930207-TGATG-T.
Other names: c.4338_4341del, p.Met1446fs (NM_001018037.2); c.4455_4458del, p.Met1485fs (NM_001018038.3, NM_015186.4); short protein forms M1485fs, M1446fs.
Identifiers: ClinVar variation 2763604 (VCV002763604.3), dbSNP rs2537983014, ClinGen allele CA2697557782.